The following is an entry in ClinVar:

ClinVar aggregate classification (germline): Benign/Likely benign. Review status: criteria provided, multiple submitters, no conflicts (2 of 4 stars). 4 submissions from 4 submitters: Benign (1); Likely benign (2). 1 of the submissions does not count toward it. Last evaluated 2025-11-24.

Conditions:
Pancytopenia-developmental delay syndrome. Also called: Bone marrow failure syndrome 2. Identifiers: Orphanet 401764, MedGen C3810350, MONDO:0014317, OMIM 615715.
Inborn genetic diseases. Identifiers: MedGen C0950123, MeSH D030342.
ERCC6L2-related disorder. Also called: ERCC6L2-related condition.

Allele frequency attached by ClinVar (database versions not stated): gnomAD exomes 0.00005 and 0.00020; gnomAD 0.00006; TOPMed 0.00011; ExAC 0.00018; 1000 Genomes Project 0.00020; 1000 Genomes Project 30x 0.00031.
gnomAD v4.1: 80 of 1,612,170 alleles (0.005%); highest among the groups gnomAD compares: East Asian, 0.14%; no homozygotes.

Submissions (4):

Labcorp Genetics (formerly Invitae), Labcorp
Classification: Benign. Last evaluated: 2025-11-24. Review status: criteria provided, single submitter. Criteria: Invitae Variant Classification Sherloc (09022015). Collection method: clinical testing. Allele origin: germline.

Ambry Genetics
Classification: Likely benign for Inborn genetic diseases. Last evaluated: 2024-11-21. Review status: criteria provided, single submitter. Criteria: Ambry Variant Classification Scheme 2023. Collection method: clinical testing. Allele origin: germline.

ARUP Laboratories, Molecular Genetics and Genomics, ARUP Laboratories
Classification: Likely benign for Pancytopenia-developmental delay syndrome. Last evaluated: 2024-06-19. Review status: criteria provided, single submitter. Criteria: ARUP Molecular Germline Variant Investigation Process 2024. Collection method: clinical testing. Allele origin: germline.

PreventionGenetics, part of Exact Sciences
Classification: Likely benign for ERCC6L2-related condition. Last evaluated: 2024-04-17. Review status: no assertion criteria provided. Collection method: clinical testing. Allele origin: germline. Not counted in ClinVar's aggregate classification.
Comment: This variant is classified as likely benign based on ACMG/AMP sequence variant interpretation guidelines (Richards et al. 2015 PMID: 25741868, with internal and published modifications).

NM_020207.7(ERCC6L2):c.1380G>A (p.Ala460=)

Gene: ERCC6L2 (ERCC excision repair 6 like 2; plus strand). Cytogenetic location: 9q22.32.
Variant type: single nucleotide variant.
Coding change: c.1380G>A on transcript NM_020207.7 (MANE Select); coding-DNA position 1380, G replaced by A.
Protein change: p.Ala460=; no amino-acid change (alanine 460 retained).
Molecular consequence: synonymous variant. On other transcripts: non-coding transcript variant (1).
Genome position (GRCh38, 1-based): chr9:95,922,385, G>A. VCF-style: chr9-95922385-G-A. GRCh37 (hg19) VCF-style: chr9-98684667-G-A.
Other names: c.1380G>A, p.Ala460= (NM_001010895.4, NM_001375291.1, NM_001375292.1 and 2 more transcripts); c.1413G>A (NM_001010895.2).
Identifiers: ClinVar variation 1169133 (VCV001169133.12), dbSNP rs201406110, ClinGen allele CA5139544.